The following is an entry in ClinVar:

NM_017514.5(PLXNA3):c.1327G>A (p.Asp443Asn)

Gene: PLXNA3 (plexin A3; plus strand). Cytogenetic location: Xq28.
Variant type: single nucleotide variant.
Coding change: c.1327G>A on transcript NM_017514.5 (MANE Select); coding-DNA position 1327, G replaced by A.
Protein change: p.Asp443Asn; replaces aspartic acid 443 with asparagine.
Molecular consequence: missense variant.
Genome position (GRCh38, 1-based): chrX:154,463,400, G>A. VCF-style: chrX-154463400-G-A. GRCh37 (hg19) VCF-style: chrX-153691743-G-A.
Other names: c.1327G>A (NM_017514.3); short protein forms D443N.
Identifiers: ClinVar variation 3047099 (VCV003047099.4), dbSNP rs191903829, ClinGen allele CA10564012.

ClinVar aggregate classification (germline): Uncertain significance. Review status: criteria provided, multiple submitters, no conflicts (2 of 4 stars). 2 submissions from 2 submitters: Uncertain significance (2). Last evaluated 2025-09-10.

Conditions:
PLXNA3-related disorder. Also called: PLXNA3-related condition.

Allele frequency attached by ClinVar (database versions not stated): ExAC 0.00009; ESP Exome Variant Server 0.00009; gnomAD 0.00009; TOPMed 0.00015; gnomAD exomes 0.00020; 1000 Genomes Project 30x 0.00021; 1000 Genomes Project 0.00026.
gnomAD v4.1: 227 of 1,207,673 alleles (0.019%); highest among the groups gnomAD compares: Non-Finnish European, 0.023%; no homozygotes.

Submissions (2):

PreventionGenetics, part of Exact Sciences
Classification: Uncertain significance for PLXNA3-related condition. Last evaluated: 2025-09-10. Review status: criteria provided, single submitter. Criteria: ACMG Guidelines, 2015. Collection method: clinical testing. Allele origin: germline.
Comment: The PLXNA3 c.1327G>A variant is predicted to result in the amino acid substitution p.Asp443Asn. To our knowledge, this variant has not been reported in the literature. This variant is reported in 0.016% of alleles in individuals of African descent in gnomAD, including multiple hemizygous individuals. At this time, the clinical significance of this variant is uncertain due to the absence of conclusive functional and genetic evidence.

Ambry Genetics
Classification: Uncertain significance. Last evaluated: 2025-05-14. Review status: criteria provided, single submitter. Criteria: Ambry Variant Classification Scheme 2023. Collection method: clinical testing. Allele origin: germline.